The following is an entry in ClinVar:

ClinVar aggregate classification (germline): Conflicting classifications of pathogenicity. Review status: criteria provided, conflicting classifications (1 of 4 stars). 2 submissions from 2 submitters: Uncertain significance (1); Likely benign (1). Last evaluated 2022-11-19.

Conditions:
Intellectual disability, X-linked, with or without seizures, ARX-related. Also called: INTELLECTUAL DEVELOPMENTAL DISORDER, X-LINKED 29; MENTAL RETARDATION, X-LINKED 29; MENTAL RETARDATION, X-LINKED 32; MENTAL RETARDATION, X-LINKED 33; MENTAL RETARDATION, X-LINKED 38; MENTAL RETARDATION, X-LINKED 43. Identifiers: Orphanet 777, MedGen C0796244, MONDO:0010317, OMIM 300419.
Developmental and epileptic encephalopathy, 1 (DEE1). Also called: INFANTILE SPASM SYNDROME, X-LINKED 1; OHTAHARA SYNDROME, X-LINKED; X-linked infantile spasms; West's syndrome; Tonic spasms with clustering, arrest of psychomotor development and hypsarrhythmia on EEG; X-Linked Infantile Spasm Syndrome. Identifiers: MedGen C3463992, MONDO:0010632, OMIM 308350. Disease mechanism: loss of function.

Submissions (2):

Labcorp Genetics (formerly Invitae), Labcorp
Classification: Uncertain significance for Developmental and epileptic encephalopathy, 1; Intellectual disability, X-linked, with or without seizures, ARX-related. Last evaluated: 2022-11-19. Review status: criteria provided, single submitter. Criteria: Invitae Variant Classification Sherloc (09022015). Collection method: clinical testing. Allele origin: germline.
Comment: This variant, c.1299_1304del, results in the deletion of 2 amino acid(s) of the ARX protein (p.Ala439_Ala440del), but otherwise preserves the integrity of the reading frame. This variant has not been reported in the literature in individuals affected with ARX-related conditions. This variant is not present in population databases (gnomAD no frequency). In summary, the available evidence is currently insufficient to determine the role of this variant in disease. Therefore, it has been classified as a Variant of Uncertain Significance. Experimental studies and prediction algorithms are not available or were not evaluated, and the functional significance of this variant is currently unknown. ClinVar contains an entry for this variant (Variation ID: 420444).

GeneDx
Classification: Likely benign. Last evaluated: 2016-02-22. Review status: criteria provided, single submitter. Criteria: GeneDx Variant Classification (06012015). Collection method: clinical testing. Allele origin: germline. Affected: yes.
Comment: This variant is considered likely benign or benign based on one or more of the following criteria: it is a conservative change, it occurs at a poorly conserved position in the protein, it is predicted to be benign by multiple in silico algorithms, and/or has population frequency not consistent with disease.

NM_139058.3(ARX):c.1293TGCCGC[1] (p.Ala439_Ala440del)

Gene: ARX (aristaless related homeobox; minus strand). Cytogenetic location: Xp21.3.
Variant type: Microsatellite.
Coding change: c.1293TGCCGC[1] on transcript NM_139058.3 (MANE Select); one copy of the 6-base unit TGCCGC starting at c.1293; the reference has two copies in a row; one copy, 6 bases deleted.
Protein change: p.Ala439_Ala440del.
Molecular consequence: inframe deletion.
Genome position (GRCh38, 1-based): chrX:25,007,255-25,007,260, GCGGCA deleted on the plus strand (TGCCGC on the coding strand, the reverse complement: ARX is on the minus strand); deleting any 6 consecutive bases within chrX:25,007,255-25,007,267 gives the same sequence; the position shown is the placement nearest the transcript's 3' end. VCF-style (leftmost placement, unchanged base first): chrX-25007254-GGCGGCA-G. GRCh37 (hg19) VCF-style: chrX-25025371-GGCGGCA-G.
Identifiers: ClinVar variation 420444 (VCV000420444.7), dbSNP rs1064794482, ClinGen allele CA16621350.